The following is an entry in ClinVar:

NM_021619.3(PRDM12):c.1034_1039dup (p.Pro345_Ala346dup)

Gene: PRDM12 (PR/SET domain 12; plus strand). Cytogenetic location: 9q34.12.
Variant type: Duplication.
Coding change: c.1034_1039dup on transcript NM_021619.3 (MANE Select); coding-DNA positions 1034 to 1039, 6 bases duplicated (CCGCGC; older notation c.1034_1039dupCCGCGC).
Protein change: p.Pro345_Ala346dup.
Molecular consequence: inframe insertion.
Genome position (GRCh38, 1-based): chr9:130,681,599-130,681,604, CCGCGC duplicated; duplicating any 6 consecutive bases within chr9:130,681,594-130,681,604 gives the same sequence; the c. name uses the placement nearest the transcript's 3' end. VCF-style (leftmost placement, unchanged base first): chr9-130681593-A-ACGCGCC. GRCh37 (hg19) VCF-style: chr9-133556980-A-ACGCGCC.
Other names: c.1034_1039dupCCGCGC (NM_021619.2).
Identifiers: ClinVar variation 542460 (VCV000542460.4), dbSNP rs1298266062, ClinGen allele CA658797308.

ClinVar aggregate classification (germline): Uncertain significance (1 of 4 stars; one submission).

Conditions:
Congenital insensitivity to pain-hypohidrosis syndrome. Also called: HSAN VIII; Neuropathy, hereditary sensory and autonomic, type VIII. Identifiers: Orphanet 478664, MedGen C4225308, MONDO:0014662, OMIM 616488.

Submission:

Labcorp Genetics (formerly Invitae), Labcorp
Classification: Uncertain significance for Congenital insensitivity to pain-hypohidrosis syndrome. Last evaluated: 2022-03-01. Review status: criteria provided, single submitter. Criteria: Invitae Variant Classification Sherloc (09022015). Collection method: clinical testing. Allele origin: germline.
Comment: This variant, c.1034_1039dup, results in the insertion of 2 amino acid(s) of the PRDM12 protein (p.Pro345_Ala346dup), but otherwise preserves the integrity of the reading frame. The frequency data for this variant in the population databases is considered unreliable, as metrics indicate insufficient coverage at this position in the gnomAD database. This variant has not been reported in the literature in individuals affected with PRDM12-related conditions. ClinVar contains an entry for this variant (Variation ID: 542460). Experimental studies and prediction algorithms are not available or were not evaluated, and the functional significance of this variant is currently unknown. In summary, the available evidence is currently insufficient to determine the role of this variant in disease. Therefore, it has been classified as a Variant of Uncertain Significance.